The following is an entry in ClinVar:

NM_006348.5(COG5):c.2401T>C (p.Ser801Pro)

Gene: COG5 (component of oligomeric golgi complex 5; minus strand). Cytogenetic location: 7q22.3.
Variant type: single nucleotide variant.
Coding change: c.2401T>C on transcript NM_006348.5 (MANE Select); coding-DNA position 2401, T replaced by C.
Protein change: p.Ser801Pro; replaces serine 801 with proline.
Molecular consequence: missense variant.
Genome position (GRCh38, 1-based): chr7:107,203,605, A>G on the plus strand (T>C on the coding strand, the complement: COG5 is on the minus strand). VCF-style: chr7-107203605-A-G. GRCh37 (hg19) VCF-style: chr7-106844050-A-G.
Other names: c.2239T>C, p.Ser747Pro (NM_001379511.1); c.2227T>C, p.Ser743Pro (NM_001379512.1); c.2194T>C, p.Ser732Pro (NM_001379513.1); c.2086T>C, p.Ser696Pro (NM_001379514.1); c.1831T>C, p.Ser611Pro (NM_001379515.1); c.1687T>C, p.Ser563Pro (NM_001379516.1); c.2338T>C, p.Ser780Pro (NM_181733.4); short protein forms S832P, S611P, S743P, S747P, S696P, S780P, S732P, S801P.
Identifiers: ClinVar variation 358451 (VCV000358451.14), dbSNP rs141942249, ClinGen allele CA4430576.

ClinVar aggregate classification (germline): Conflicting classifications of pathogenicity. Review status: criteria provided, conflicting classifications (1 of 4 stars). 4 submissions from 4 submitters: Uncertain significance (3); Likely benign (1). Last evaluated 2025-12-30.

Conditions:
Inborn genetic diseases. Identifiers: MedGen C0950123, MeSH D030342.
COG5-congenital disorder of glycosylation. Also called: CONGENITAL DISORDER OF GLYCOSYLATION, TYPE IIi; CDG IIi; COG5-CDG. Identifiers: Orphanet 263487, MedGen C3150876, MONDO:0013325, OMIM 613612.

Allele frequency attached by ClinVar (database versions not stated): ESP Exome Variant Server 0.00023; gnomAD 0.00027; TOPMed 0.00044.
gnomAD v4.1: 317 of 1,613,838 alleles (0.02%); highest among the groups gnomAD compares: Admixed American, 0.065%; 1 homozygote.

Submissions (4):

Labcorp Genetics (formerly Invitae), Labcorp
Classification: Likely benign for COG5-congenital disorder of glycosylation. Last evaluated: 2025-12-30. Review status: criteria provided, single submitter. Criteria: Invitae Variant Classification Sherloc (09022015). Collection method: clinical testing. Allele origin: germline.

Women's Health and Genetics/Laboratory Corporation of America, LabCorp
Classification: Uncertain significance. Last evaluated: 2024-04-18. Review status: criteria provided, single submitter. Criteria: LabCorp Variant Classification Summary - May 2015. Collection method: clinical testing. Allele origin: germline.
Comment: Variant summary: COG5 c.2401T>C (p.Ser801Pro) results in a non-conservative amino acid change in the encoded protein sequence. Three of four in-silico tools predict a damaging effect of the variant on protein function. The variant allele was found at a frequency of 0.00036 in 249690 control chromosomes. The available data on variant occurrences in the general population are insufficient to allow any conclusion about variant significance. To our knowledge, no occurrence of c.2401T>C in individuals affected with Congenital Disorder Of Glycosylation, Type 2i and no experimental evidence demonstrating its impact on protein function have been reported. ClinVar contains an entry for this variant (Variation ID: 358451). Based on the evidence outlined above, the variant was classified as uncertain significance.

Ambry Genetics
Classification: Uncertain significance for Inborn genetic diseases. Last evaluated: 2021-03-31. Review status: criteria provided, single submitter. Criteria: Ambry Variant Classification Scheme 2023. Collection method: clinical testing. Allele origin: germline.
Comment: The c.2494T>C (p.S832P) alteration is located in exon 22 (coding exon 22) of the COG5 gene. This alteration results from a T to C substitution at nucleotide position 2494, causing the serine (S) at amino acid position 832 to be replaced by a proline (P). The p.S832P alteration is predicted to be tolerated by in silico analysis. Based on insufficient or conflicting evidence, the clinical significance of this alteration remains unclear.

Illumina Laboratory Services, Illumina
Classification: Uncertain significance for COG5-congenital disorder of glycosylation. Last evaluated: 2018-01-13. Review status: criteria provided, single submitter. Criteria: ICSL Variant Classification Criteria 13 December 2019. Collection method: clinical testing. Allele origin: germline.